The following is an entry in ClinVar:

NM_139284.3(LGI4):c.144C>G (p.Val48=)

Gene: LGI4 (leucine rich repeat LGI family member 4; minus strand). Cytogenetic location: 19q13.12.
Variant type: single nucleotide variant.
Coding change: c.144C>G on transcript NM_139284.3 (MANE Select); coding-DNA position 144, C replaced by G.
Protein change: p.Val48=; no amino-acid change (valine 48 retained).
Molecular consequence: synonymous variant.
Genome position (GRCh38, 1-based): chr19:35,134,537, G>C on the plus strand (C>G on the coding strand, the complement: LGI4 is on the minus strand). VCF-style: chr19-35134537-G-C. GRCh37 (hg19) VCF-style: chr19-35625441-G-C.
Identifiers: ClinVar variation 3035544 (VCV003035544.2), dbSNP rs1271333075, ClinGen allele CA507015574.

ClinVar aggregate classification (germline): Likely benign (0 of 4 stars; one submission).

Conditions:
LGI4-related disorder. Also called: LGI4-related condition.

Allele frequency attached by ClinVar (database versions not stated): TOPMed below 0.00001.

Submission:

PreventionGenetics, part of Exact Sciences
Classification: Likely benign for LGI4-related condition. Last evaluated: 2019-08-01. Review status: no assertion criteria provided. Collection method: clinical testing. Allele origin: germline.
Comment: This variant is classified as likely benign based on ACMG/AMP sequence variant interpretation guidelines (Richards et al. 2015 PMID: 25741868, with internal and published modifications).